The following is an entry in ClinVar:

ClinVar aggregate classification (germline): Uncertain significance (1 of 4 stars; one submission).

Allele frequency attached by ClinVar (database versions not stated): gnomAD exomes below 0.00001; gnomAD 0.00001.
gnomAD v4.1: 6 of 1,613,496 alleles (0.00037%); highest among the groups gnomAD compares: Non-Finnish European, 0.00051%; no homozygotes.

Submission:

Labcorp Genetics (formerly Invitae), Labcorp
Classification: Uncertain significance. Last evaluated: 2022-07-05. Review status: criteria provided, single submitter. Criteria: Invitae Variant Classification Sherloc (09022015). Collection method: clinical testing. Allele origin: germline.
Comment: This sequence change replaces tyrosine, which is neutral and polar, with cysteine, which is neutral and slightly polar, at codon 448 of the PCDH15 protein (p.Tyr448Cys). This variant is present in population databases (no rsID available, gnomAD 0.0009%). This missense change has been observed in individual(s) with clinical features of Usher syndrome (PMID: 21174530). ClinVar contains an entry for this variant (Variation ID: 1406217). Algorithms developed to predict the effect of missense changes on protein structure and function are either unavailable or do not agree on the potential impact of this missense change (SIFT: "Deleterious"; PolyPhen-2: "Probably Damaging"; Align-GVGD: "Class C0"). In summary, the available evidence is currently insufficient to determine the role of this variant in disease. Therefore, it has been classified as a Variant of Uncertain Significance.

Literature cited by the submitters: PubMed 21174530.

NM_001384140.1(PCDH15):c.1343A>G (p.Tyr448Cys)

Gene: PCDH15 (protocadherin related 15; minus strand). Cytogenetic location: 10q21.1.
Variant type: single nucleotide variant.
Coding change: c.1343A>G on transcript NM_001384140.1 (MANE Select); coding-DNA position 1343, A replaced by G.
Protein change: p.Tyr448Cys; replaces tyrosine 448 with cysteine.
Molecular consequence: missense variant.
Genome position (GRCh38, 1-based): chr10:54,185,231, T>C on the plus strand (A>G on the coding strand, the complement: PCDH15 is on the minus strand). VCF-style: chr10-54185231-T-C. GRCh37 (hg19) VCF-style: chr10-55944991-T-C.
Other names: c.1358A>G, p.Tyr453Cys (NM_001142763.2, NM_001142771.2); c.1343A>G, p.Tyr448Cys (NM_001142764.2, NM_001142765.2, NM_001142766.2 and 6 more transcripts); c.1232A>G, p.Tyr411Cys (NM_001142767.2); c.1277A>G, p.Tyr426Cys (NM_001142768.2, NM_001142773.2, NM_001354404.2); c.1379A>G, p.Tyr460Cys (NM_001142769.4); c.1364A>G, p.Tyr455Cys (NM_001354411.2); short protein forms Y411C, Y453C, Y426C, Y455C, Y448C, Y460C.
Identifiers: ClinVar variation 1406217 (VCV001406217.5), dbSNP rs1214237090, ClinGen allele CA376515526.
Genomic context (GRCh38, chr10:54,185,231, plus strand): 5'-GGTTGAAGTAAGGTGAGGTAGCGAGTAATACCAGTCTGTGTGACGGTGAAGACTGAGGTG[T>C]AGTCATTCAGAAAAAGGTGAAGCTCTGGGTCTTTTGTCTTTGAAAAAAAATGACATCGTT-3'
Protein context (NP_001371069.1, residues 438-458): DPELHLFLND[Tyr448Cys]TSVFTVTQTG